The following is an entry in ClinVar:

ClinVar aggregate classification (germline): Uncertain significance (1 of 4 stars; one submission).

Conditions:
Hereditary cancer-predisposing syndrome. Also called: Neoplastic Syndromes, Hereditary; Tumor predisposition; Hereditary Cancer Syndrome; Hereditary neoplastic syndrome. Identifiers: Orphanet 140162, MedGen C0027672, MeSH D009386, MONDO:0015356.

Submission:

Ambry Genetics
Classification: Uncertain significance for Hereditary cancer-predisposing syndrome. Last evaluated: 2026-04-15. Review status: criteria provided, single submitter. Criteria: Ambry Variant Classification Scheme 2023. Collection method: clinical testing. Allele origin: germline.
Comment: The p.S76N variant (also known as c.227G>A), located in coding exon 1 of the PHOX2B gene, results from a G to A substitution at nucleotide position 227. The serine at codon 76 is replaced by asparagine, an amino acid with highly similar properties. This amino acid position is conserved. In addition, this alteration is predicted to be tolerated by in silico analysis. Based on the available evidence, the clinical significance of this variant remains unclear.

NM_003924.4(PHOX2B):c.227G>A (p.Ser76Asn)

Genes: PHOX2B (paired like homeobox 2B; minus strand), PHOX2B-AS1 (PHOX2B antisense RNA 1; plus strand). Cytogenetic location: 4p13.
Variant type: single nucleotide variant.
Coding change: c.227G>A on transcript NM_003924.4 (MANE Select); coding-DNA position 227, G replaced by A.
Protein change: p.Ser76Asn; replaces serine 76 with asparagine.
Molecular consequence: missense variant. On other transcripts: non-coding transcript variant (1).
Genome position (GRCh38, 1-based): chr4:41,748,384, C>T on the plus strand (G>A on the coding strand, the complement: PHOX2B is on the minus strand). VCF-style: chr4-41748384-C-T. GRCh37 (hg19) VCF-style: chr4-41750401-C-T.
Other names: short protein forms S76N.
Identifiers: ClinVar variation 4861809 (VCV004861809.1).